The following is an entry in ClinVar:

NM_006648.4(WNK2):c.1109A>G (p.Glu370Gly)

Gene: WNK2 (WNK lysine deficient protein kinase 2; plus strand). Cytogenetic location: 9q22.31.
Variant type: single nucleotide variant.
Coding change: c.1109A>G on transcript NM_006648.4 (MANE Select); coding-DNA position 1109, A replaced by G.
Protein change: p.Glu370Gly; replaces glutamic acid 370 with glycine.
Molecular consequence: missense variant.
Genome position (GRCh38, 1-based): chr9:93,234,841, A>G. VCF-style: chr9-93234841-A-G. GRCh37 (hg19) VCF-style: chr9-95997123-A-G.
Other names: c.1109A>G, p.Glu370Gly (NM_001282394.3); short protein forms E370G.
Identifiers: ClinVar variation 3816718 (VCV003816718.1).

ClinVar aggregate classification (germline): Uncertain significance (1 of 4 stars; one submission).

Submission:

Ambry Genetics
Classification: Uncertain significance. Last evaluated: 2025-01-04. Review status: criteria provided, single submitter. Criteria: Ambry Variant Classification Scheme 2023. Collection method: clinical testing. Allele origin: germline.
Comment: The p.E370G variant (also known as c.1109A>G), located in coding exon 4 of the WNK2 gene, results from an A to G substitution at nucleotide position 1109. The glutamic acid at codon 370 is replaced by glycine, an amino acid with similar properties. This amino acid position is conserved. In addition, the in silico prediction for this alteration is inconclusive. Based on the available evidence, the clinical significance of this variant remains unclear.